The following is an entry in ClinVar:

ClinVar aggregate classification (germline): Uncertain significance (1 of 4 stars; one submission).

Conditions:
Hereditary cancer-predisposing syndrome. Also called: Neoplastic Syndromes, Hereditary; Tumor predisposition; Hereditary neoplastic syndrome; Hereditary Cancer Syndrome. Identifiers: Orphanet 140162, MedGen C0027672, MeSH D009386, MONDO:0015356.

Submission:

Ambry Genetics
Classification: Uncertain significance for Hereditary cancer-predisposing syndrome. Last evaluated: 2023-10-12. Review status: criteria provided, single submitter. Criteria: Ambry Variant Classification Scheme 2023. Collection method: clinical testing. Allele origin: germline.
Comment: The p.S1104G variant (also known as c.3310A>G), located in coding exon 20 of the DICER1 gene, results from an A to G substitution at nucleotide position 3310. The serine at codon 1104 is replaced by glycine, an amino acid with similar properties. This amino acid position is conserved. In addition, this alteration is predicted to be tolerated by in silico analysis. Since supporting evidence is limited at this time, the clinical significance of this alteration remains unclear.

NM_177438.3(DICER1):c.3310A>G (p.Ser1104Gly)

Gene: DICER1 (dicer 1, ribonuclease III; minus strand). Cytogenetic location: 14q32.13.
Variant type: single nucleotide variant.
Coding change: c.3310A>G on transcript NM_177438.3 (MANE Select); coding-DNA position 3310, A replaced by G.
Protein change: p.Ser1104Gly; replaces serine 1104 with glycine.
Molecular consequence: missense variant. On other transcripts: non-coding transcript variant (4).
Genome position (GRCh38, 1-based): chr14:95,104,086, T>C on the plus strand (A>G on the coding strand, the complement: DICER1 is on the minus strand). VCF-style: chr14-95104086-T-C. GRCh37 (hg19) VCF-style: chr14-95570423-T-C.
Other names: c.3310A>G, p.Ser1104Gly (NM_001195573.1, NM_001271282.3, NM_001291628.2 and 13 more transcripts); c.3028A>G, p.Ser1010Gly (NM_001395686.1); c.2905A>G, p.Ser969Gly (NM_001395687.1, NM_001395688.1, NM_001395689.1 and 2 more transcripts); c.2743A>G, p.Ser915Gly (NM_001395691.1); c.1627A>G, p.Ser543Gly (NM_001395697.1); short protein forms S1010G, S1104G, S543G, S915G, S969G.
Identifiers: ClinVar variation 3229369 (VCV003229369.1), dbSNP rs2542721969, ClinGen allele CA390875964.